The following is an entry in ClinVar:

ClinVar aggregate classification (germline): Uncertain significance (1 of 4 stars; one submission).

Conditions:
Familial cold autoinflammatory syndrome 2 (FCAS2). Identifiers: Orphanet 247868, MedGen C2673198, MONDO:0012724, OMIM 611762.

Submission:

Labcorp Genetics (formerly Invitae), Labcorp
Classification: Uncertain significance for Familial cold autoinflammatory syndrome 2. Last evaluated: 2022-01-03. Review status: criteria provided, single submitter. Criteria: Invitae Variant Classification Sherloc (09022015). Collection method: clinical testing. Allele origin: germline.
Comment: In summary, the available evidence is currently insufficient to determine the role of this variant in disease. Therefore, it has been classified as a Variant of Uncertain Significance. Algorithms developed to predict the effect of missense changes on protein structure and function are either unavailable or do not agree on the potential impact of this missense change (SIFT: "Deleterious"; PolyPhen-2: "Possibly Damaging"; Align-GVGD: "Class C0"). This variant has not been reported in the literature in individuals affected with NLRP12-related conditions. This variant is not present in population databases (gnomAD no frequency). This sequence change replaces glutamic acid, which is acidic and polar, with glutamine, which is neutral and polar, at codon 361 of the NLRP12 protein (p.Glu361Gln).

NM_144687.4(NLRP12):c.1081G>C (p.Glu361Gln)

Gene: NLRP12 (NLR family pyrin domain containing 12; minus strand). Cytogenetic location: 19q13.42.
Variant type: single nucleotide variant.
Coding change: c.1081G>C on transcript NM_144687.4 (MANE Select); coding-DNA position 1081, G replaced by C.
Protein change: p.Glu361Gln; replaces glutamic acid 361 with glutamine.
Molecular consequence: missense variant.
Genome position (GRCh38, 1-based): chr19:53,810,578, C>G on the plus strand (G>C on the coding strand, the complement: NLRP12 is on the minus strand). VCF-style: chr19-53810578-C-G. GRCh37 (hg19) VCF-style: chr19-54313832-C-G.
Other names: c.1081G>C, p.Glu361Gln (NM_001277126.2, NM_001277129.1); short protein forms E361Q.
Identifiers: ClinVar variation 1942430 (VCV001942430.5), dbSNP rs2514344339, ClinGen allele CA407414907.